The following is an entry in ClinVar:

ClinVar aggregate classification (germline): Likely pathogenic (1 of 4 stars; one submission).

Conditions:
Hypotonia, infantile, with psychomotor retardation and characteristic facies 3 (IHPRF3). Also called: TBCK-Related Neurodevelopmental Disorder. Identifiers: Orphanet 488632, MedGen C5567480, MONDO:0014823, OMIM 616900.

Submission:

First Genomix Gene Laboratory, Genetic Diagnostics Department
Classification: Likely pathogenic for Hypotonia, infantile, with psychomotor retardation and characteristic facies 3. Last evaluated: 2025-03-18. Review status: criteria provided, single submitter. Criteria: ACMG Guidelines, 2015. Collection method: clinical testing. Allele origin: germline. Inheritance: Autosomal recessive inheritance. Affected: no. Observed: 1 variant allele.

NM_001163435.3(TBCK):c.2258del (p.Asn753fs)

Gene: TBCK (TBC1 domain containing kinase; minus strand). Cytogenetic location: 4q24.
Variant type: Deletion.
Coding change: c.2258del on transcript NM_001163435.3 (MANE Select); coding-DNA position 2258, one base deleted (A; older notation c.2258delA).
Protein change: p.Asn753fs; shifts the reading frame from asparagine 753.
Molecular consequence: frameshift variant.
Genome position (GRCh38, 1-based): chr4:106,116,356, T deleted on the plus strand (A on the coding strand, the reverse complement: TBCK is on the minus strand); the first of 3 consecutive T bases (chr4:106,116,356-106,116,358); deleting any one gives the same sequence. VCF-style (leftmost placement, unchanged base first): chr4-106116355-AT-A. GRCh37 (hg19) VCF-style: chr4-107037512-AT-A.
Other names: c.2258delA (NM_001163435.3); c.2258del, p.Asn753fs (NM_001163436.4); c.2141del, p.Asn714fs (NM_001163437.3); c.1742del, p.Asn581fs (NM_001290768.2); c.2069del, p.Asn690fs (NM_033115.5); short protein forms N581fs, N690fs, N714fs, N753fs.
Identifiers: ClinVar variation 4845860 (VCV004845860.1).